The following is an entry in ClinVar:

NM_002317.7(LOX):c.1222dup (p.Tyr408fs)

Genes: LOX (lysyl oxidase; minus strand), SRFBP1 (serum response factor binding protein 1; plus strand). Cytogenetic location: 5q23.1.
Variant type: Duplication.
Coding change: c.1222dup on transcript NM_002317.7 (MANE Select); coding-DNA position 1222, one base duplicated (T; older notation c.1222dupT).
Protein change: p.Tyr408fs; shifts the reading frame from tyrosine 408.
Molecular consequence: frameshift variant.
Genome position (GRCh38, 1-based): chr5:122,070,078, A duplicated on the plus strand (T on the coding strand, the reverse complement: LOX is on the minus strand). VCF-style (leftmost placement, unchanged base first): chr5-122070077-T-TA. GRCh37 (hg19) VCF-style: chr5-121405772-T-TA.
Other names: c.532dup, p.Tyr178fs (NM_001178102.2); c.331dup, p.Tyr111fs (NM_001317073.1); short protein forms Y111fs, Y178fs, Y408fs.
Identifiers: ClinVar variation 3336903 (VCV003336903.3).
Genomic context (GRCh38, chr5:122,070,077, plus strand): 5'-TGACAACAATTACTTAGCTAAGCAAATAACACTTACGGTGAAATTGTGCAGCCTGAGGCA[T>TA]ACGCATGATGTCCTGTGTAGCGAATGTCACAGCGCACAACATTGTTGGTATAGTCAGATT-3'

ClinVar aggregate classification (germline): Likely pathogenic. Review status: criteria provided, multiple submitters, no conflicts (2 of 4 stars). 2 submissions from 2 submitters: Likely pathogenic (2). Last evaluated 2024-06-19.

Conditions:
Aortic aneurysm, familial thoracic 10 (AAT10). Identifiers: MedGen C4284414, MONDO:0014950, OMIM 617168.

Submissions (2):

Clinical Genetics Laboratory, Region Ostergotland
Classification: Likely pathogenic for Aortic aneurysm, familial thoracic 10. Last evaluated: 2024-06-19. Review status: criteria provided, single submitter. Criteria: ACMG Guidelines, 2015. Collection method: clinical testing. Allele origin: germline. Affected: yes.
Comment: The NM_002317.7:c.1222dup frameshift variant is predicted to result in a premature STOP codon (p.(Tyr408Leufs*34)) in a gene where loss of function is a known mechanism of disease. The variant is not found in population database (no frequency gnomAD v4.1.0). Based on this information, the following ACMG/AMP criteria were applied in classifying this variant: PVS1_Strong, PM2

Clinical Genetics Laboratory, Skane University Hospital Lund
Classification: Likely pathogenic. Last evaluated: 2022-05-27. Review status: criteria provided, single submitter. Criteria: ACMG Guidelines, 2015. Collection method: clinical testing. Allele origin: germline. Affected: yes.